The following is an entry in ClinVar:

NM_052867.4(NALCN):c.2282G>A (p.Arg761His)

Gene: NALCN (sodium leak channel, non-selective; minus strand). Cytogenetic location: 13q33.1.
Variant type: single nucleotide variant.
Coding change: c.2282G>A on transcript NM_052867.4 (MANE Select); coding-DNA position 2282, G replaced by A.
Protein change: p.Arg761His; replaces arginine 761 with histidine.
Molecular consequence: missense variant.
Genome position (GRCh38, 1-based): chr13:101,111,137, C>T on the plus strand (G>A on the coding strand, the complement: NALCN is on the minus strand). VCF-style: chr13-101111137-C-T. GRCh37 (hg19) VCF-style: chr13-101763488-C-T.
Other names: c.2369G>A, p.Arg790His (NM_001350748.2); c.2282G>A, p.Arg761His (NM_001350749.2); c.2195G>A, p.Arg732His (NM_001350750.2, NM_001350751.2); short protein forms R732H, R761H, R790H.
Identifiers: ClinVar variation 2715588 (VCV002715588.3), dbSNP rs199935618, ClinGen allele CA7035768.

ClinVar aggregate classification (germline): Uncertain significance (1 of 4 stars; one submission).

Allele frequency attached by ClinVar (database versions not stated): gnomAD 0.00001; ExAC 0.00002; 1000 Genomes Project 0.00020; 1000 Genomes Project 30x 0.00062.
gnomAD v4.1: 17 of 1,605,730 alleles (0.0011%); highest among the groups gnomAD compares: East Asian, 0.0045%; no homozygotes.

Submission:

Labcorp Genetics (formerly Invitae), Labcorp
Classification: Uncertain significance. Last evaluated: 2023-09-01. Review status: criteria provided, single submitter. Criteria: Invitae Variant Classification Sherloc (09022015). Collection method: clinical testing. Allele origin: germline.
Comment: Advanced modeling of protein sequence and biophysical properties (such as structural, functional, and spatial information, amino acid conservation, physicochemical variation, residue mobility, and thermodynamic stability) performed at Invitae indicates that this missense variant is not expected to disrupt NALCN protein function. In summary, the available evidence is currently insufficient to determine the role of this variant in disease. Therefore, it has been classified as a Variant of Uncertain Significance. This variant has not been reported in the literature in individuals affected with NALCN-related conditions. The frequency data for this variant in the population databases is considered unreliable, as metrics indicate poor data quality at this position in the gnomAD database. This sequence change replaces arginine, which is basic and polar, with histidine, which is basic and polar, at codon 761 of the NALCN protein (p.Arg761His).